The following is an entry in ClinVar:

ClinVar aggregate classification (germline): Uncertain significance (0 of 4 stars; one submission).

Conditions:
DCHS1-related disorder. Also called: DCHS1-related condition.

gnomAD v4.1: 1 of 1,610,014 alleles (0.000062%); highest among the groups gnomAD compares: Non-Finnish European, 0.000085%; no homozygotes.

Submission:

PreventionGenetics, part of Exact Sciences
Classification: Uncertain significance for DCHS1-related condition. Last evaluated: 2024-04-30. Review status: no assertion criteria provided. Collection method: clinical testing. Allele origin: germline.
Comment: The DCHS1 c.3569C>T variant is predicted to result in the amino acid substitution p.Pro1190Leu. To our knowledge, this variant has not been reported in the literature or in a large population database, indicating this variant is rare. At this time, the clinical significance of this variant is uncertain due to the absence of conclusive functional and genetic evidence.

NM_003737.4(DCHS1):c.3569C>T (p.Pro1190Leu)

Gene: DCHS1 (dachsous cadherin-related 1; minus strand). Cytogenetic location: 11p15.4.
Variant type: single nucleotide variant.
Coding change: c.3569C>T on transcript NM_003737.4 (MANE Select); coding-DNA position 3569, C replaced by T.
Protein change: p.Pro1190Leu; replaces proline 1190 with leucine.
Molecular consequence: missense variant.
Genome position (GRCh38, 1-based): chr11:6,631,722, G>A on the plus strand (C>T on the coding strand, the complement: DCHS1 is on the minus strand). VCF-style: chr11-6631722-G-A. GRCh37 (hg19) VCF-style: chr11-6652953-G-A.
Other names: short protein forms P1190L.
Identifiers: ClinVar variation 3347179 (VCV003347179.1).